The following is an entry in ClinVar:

NM_002775.5(HTRA1):c.777+6G>A

Gene: HTRA1 (HtrA serine peptidase 1; plus strand). Cytogenetic location: 10q26.13.
Variant type: single nucleotide variant.
Coding change: c.777+6G>A on transcript NM_002775.5 (MANE Select); 6 bases into the intron after coding-DNA position 777, G replaced by A.
Molecular consequence: intron variant.
Genome position (GRCh38, 1-based): chr10:122,489,632, G>A. VCF-style: chr10-122489632-G-A. GRCh37 (hg19) VCF-style: chr10-124249148-G-A.
Identifiers: ClinVar variation 1962477 (VCV001962477.5), dbSNP rs1177224088, ClinGen allele CA933337115.

ClinVar aggregate classification (germline): Uncertain significance (1 of 4 stars; one submission).

Allele frequency attached by ClinVar (database versions not stated): gnomAD 0.00001.
gnomAD v4.1: 2 of 1,612,586 alleles (0.00012%); highest among the groups gnomAD compares: African/African-American, 0.0027%; no homozygotes.

Submission:

Labcorp Genetics (formerly Invitae), Labcorp
Classification: Uncertain significance. Last evaluated: 2023-07-10. Review status: criteria provided, single submitter. Criteria: Invitae Variant Classification Sherloc (09022015). Collection method: clinical testing. Allele origin: germline.
Comment: This sequence change falls in intron 3 of the HTRA1 gene. It does not directly change the encoded amino acid sequence of the HTRA1 protein. It affects a nucleotide within the consensus splice site. In summary, the available evidence is currently insufficient to determine the role of this variant in disease. Therefore, it has been classified as a Variant of Uncertain Significance. Variants that disrupt the consensus splice site are a relatively common cause of aberrant splicing (PMID: 17576681, 9536098). Algorithms developed to predict the effect of sequence changes on RNA splicing suggest that this variant is not likely to affect RNA splicing. ClinVar contains an entry for this variant (Variation ID: 1962477). This variant has not been reported in the literature in individuals affected with HTRA1-related conditions. This variant is not present in population databases (gnomAD no frequency).

Literature cited by the submitters: PubMed 17576681; PubMed 9536098.